The following is an entry in ClinVar:

NM_005068.3(SIM1):c.1676A>G (p.His559Arg)

Gene: SIM1 (SIM bHLH transcription factor 1; minus strand). Cytogenetic location: 6q16.3.
Variant type: single nucleotide variant.
Coding change: c.1676A>G on transcript NM_005068.3 (MANE Select); coding-DNA position 1676, A replaced by G.
Protein change: p.His559Arg; replaces histidine 559 with arginine.
Molecular consequence: missense variant.
Genome position (GRCh38, 1-based): chr6:100,390,986, T>C on the plus strand (A>G on the coding strand, the complement: SIM1 is on the minus strand). VCF-style: chr6-100390986-T-C. GRCh37 (hg19) VCF-style: chr6-100838862-T-C.
Other names: c.1676A>G, p.His559Arg (NM_001374769.1); short protein forms H559R.
Identifiers: ClinVar variation 2320447 (VCV002320447.3), dbSNP rs771855990, ClinGen allele CA3936962.
Genomic context (GRCh38, chr6:100,390,986, plus strand): 5'-TCTTCTTCTTTAATCATTTGCTGAGTGGCTCTTATAAGAGTTTCAATTTTGCTGGGTTCA[T>C]GTGGGCTACTTTGATACTGCTCAGTACGATATCGGTCACCTGATTCACTGGCCGACCCAG-3'
Protein context (NP_005059.2, residues 549-569): YRTEQYQSSP[His559Arg]EPSKIETLIR

ClinVar aggregate classification (germline): Uncertain significance. Review status: criteria provided, single submitter (1 of 4 stars). 2 submissions from 2 submitters: Uncertain significance (1). 1 of the submissions does not count toward it. Last evaluated 2022-10-26.

Conditions:
SIM1-related disorder. Also called: SIM1-related disorders; SIM1-related condition.
Inborn genetic diseases. Identifiers: MedGen C0950123, MeSH D030342.

Allele frequency attached by ClinVar (database versions not stated): gnomAD exomes below 0.00001; ExAC 0.00001; gnomAD 0.00001; TOPMed 0.00001.
gnomAD v4.1: 7 of 1,614,060 alleles (0.00043%); highest among the groups gnomAD compares: Non-Finnish European, 0.00059%; no homozygotes.

Submissions (2):

Ambry Genetics
Classification: Uncertain significance for Inborn genetic diseases. Last evaluated: 2022-10-26. Review status: criteria provided, single submitter. Criteria: Ambry Variant Classification Scheme 2023. Collection method: clinical testing. Allele origin: germline.

PreventionGenetics, part of Exact Sciences
Classification: Uncertain significance for SIM1-related condition. Last evaluated: 2024-08-07. Review status: no assertion criteria provided. Collection method: clinical testing. Allele origin: germline. Not counted in ClinVar's aggregate classification.
Comment: The SIM1 c.1676A>G variant is predicted to result in the amino acid substitution p.His559Arg. To our knowledge, this variant has not been reported in the literature. This variant is reported in 0.0018% of alleles in individuals of European (Non-Finnish) descent in gnomAD. At this time, the clinical significance of this variant is uncertain due to the absence of conclusive functional and genetic evidence.